The following is an entry in ClinVar:

NM_144666.3(DNHD1):c.2426T>C (p.Met809Thr)

Gene: DNHD1 (dynein heavy chain domain 1; plus strand). Cytogenetic location: 11p15.4.
Variant type: single nucleotide variant.
Coding change: c.2426T>C on transcript NM_144666.3 (MANE Select); coding-DNA position 2426, T replaced by C.
Protein change: p.Met809Thr; replaces methionine 809 with threonine.
Molecular consequence: missense variant.
Genome position (GRCh38, 1-based): chr11:6,533,105, T>C. VCF-style: chr11-6533105-T-C. GRCh37 (hg19) VCF-style: chr11-6554335-T-C.
Other names: short protein forms M809T.
Identifiers: ClinVar variation 5041771 (VCV005041771.1).

ClinVar aggregate classification (germline): Uncertain significance (1 of 4 stars; one submission).

Submission:

CeGaT Center for Human Genetics Tuebingen
Classification: Uncertain significance. Last evaluated: 2026-09-01. Review status: criteria provided, single submitter. Criteria: CeGaT Center For Human Genetics Tuebingen Variant Classification Criteria Version 2. Collection method: clinical testing. Allele origin: germline. Affected: yes. Observed: 1 variant allele.
Comment: DNHD1: PM2, PP2